The following is an entry in ClinVar:

NM_019108.4(SMG9):c.603_613delinsAC (p.Thr202_Val204del)

Gene: SMG9 (SMG9 nonsense mediated mRNA decay factor; minus strand). Cytogenetic location: 19q13.31.
Variant type: Indel.
Coding change: c.603_613delinsAC on transcript NM_019108.4 (MANE Select); coding-DNA positions 603 to 613, GACTGATGTGT replaced by AC.
Protein change: p.Thr202_Val204del.
Molecular consequence: inframe deletion.
Genome position (GRCh38, 1-based): chr19:43,744,860-43,744,870, ACACATCAGTC replaced by GT on the plus strand (GACTGATGTGT replaced by AC on the coding strand, the reverse complement: SMG9 is on the minus strand). VCF-style: chr19-43744860-ACACATCAGTC-GT. GRCh37 (hg19) VCF-style: chr19-44249012-ACACATCAGTC-GT.
Identifiers: ClinVar variation 4986121 (VCV004986121.1).

ClinVar aggregate classification (germline): Uncertain significance (1 of 4 stars; one submission).

Conditions:
SMG9-related disorder. Also called: SMG9-related condition.

Submission:

PreventionGenetics, part of Exact Sciences
Classification: Uncertain significance for SMG9-related condition. Last evaluated: 2026-04-13. Review status: criteria provided, single submitter. Criteria: ACMG Guidelines, 2015. Collection method: clinical testing. Allele origin: germline.
Comment: The SMG9 c.603_613delinsAC variant is predicted to result in an in-frame deletion and insertion. This event results in the in-frame deletion of three amino acids (p.Thr202_Val204del). To our knowledge, this variant has not been reported in the literature or in gnomAD, indicating this variant is rare. At this time, the clinical significance of this variant is uncertain due to the absence of conclusive functional and genetic evidence.